The following is an entry in ClinVar:

NM_006766.5(KAT6A):c.1401G>C (p.Glu467Asp)

Gene: KAT6A (lysine acetyltransferase 6A; minus strand). Cytogenetic location: 8p11.21.
Variant type: single nucleotide variant.
Coding change: c.1401G>C on transcript NM_006766.5 (MANE Select); coding-DNA position 1401, G replaced by C.
Protein change: p.Glu467Asp; replaces glutamic acid 467 with aspartic acid.
Molecular consequence: missense variant.
Genome position (GRCh38, 1-based): chr8:41,974,785, C>G on the plus strand (G>C on the coding strand, the complement: KAT6A is on the minus strand). VCF-style: chr8-41974785-C-G. GRCh37 (hg19) VCF-style: chr8-41832303-C-G.
Other names: c.1401G>C, p.Glu467Asp (NM_001305878.2); short protein forms E467D.
Identifiers: ClinVar variation 3390443 (VCV003390443.1).
Genomic context (GRCh38, chr8:41,974,785, plus strand): 5'-ATCACGAAATAATTCCATATCTTTCTCAGTCATGATTTCCTGGCTCCCAAAAAGTCGCTC[C>G]TCATTTTCTTGTTTGCCATCCCAGCCATCCTGATTGTCTACATATAAAAAAAGAGCTCAC-3'
Protein context (NP_006757.2, residues 457-477): QDGWDGKQEN[Glu467Asp]ERLFGSQEIM

ClinVar aggregate classification (germline): Uncertain significance (1 of 4 stars; one submission).

Submission:

GeneDx
Classification: Uncertain significance. Last evaluated: 2024-06-11. Review status: criteria provided, single submitter. Criteria: GeneDx Variant Classification Process June 2021. Collection method: clinical testing. Allele origin: germline. Affected: yes.
Comment: Not observed at significant frequency in large population cohorts (gnomAD); In silico analysis indicates that this missense variant does not alter protein structure/function; Has not been previously published as pathogenic or benign to our knowledge